The following is an entry in ClinVar:

NM_016203.4(PRKAG2):c.215C>G (p.Pro72Arg)

Gene: PRKAG2 (protein kinase AMP-activated non-catalytic subunit gamma 2; minus strand). Cytogenetic location: 7q36.1.
Variant type: single nucleotide variant.
Coding change: c.215C>G on transcript NM_016203.4 (MANE Select); coding-DNA position 215, C replaced by G.
Protein change: p.Pro72Arg; replaces proline 72 with arginine.
Molecular consequence: missense variant. On other transcripts: intron variant (1).
Genome position (GRCh38, 1-based): chr7:151,781,403, G>C on the plus strand (C>G on the coding strand, the complement: PRKAG2 is on the minus strand). VCF-style: chr7-151781403-G-C. GRCh37 (hg19) VCF-style: chr7-151478489-G-C.
Other names: c.83C>G, p.Pro28Arg (NM_001040633.2, NM_001407024.1, NM_001407026.1 and 2 more transcripts); c.215C>G, p.Pro72Arg (NM_001407021.1, NM_001407022.1, NM_001407023.1 and 2 more transcripts); c.148+33013C>G (NM_001407032.1); short protein forms P28R, P72R.
Identifiers: ClinVar variation 4802513 (VCV004802513.1).

ClinVar aggregate classification (germline): Uncertain significance (1 of 4 stars; one submission).

Conditions:
Lethal congenital glycogen storage disease of heart. Also called: GLYCOGEN STORAGE DISEASE OF HEART; PHOSPHORYLASE KINASE DEFICIENCY OF HEART. Identifiers: Orphanet 439854, MedGen C1849813, MONDO:0009867, OMIM 261740.

Submission:

Labcorp Genetics (formerly Invitae), Labcorp
Classification: Uncertain significance for Lethal congenital glycogen storage disease of heart. Last evaluated: 2025-11-16. Review status: criteria provided, single submitter. Criteria: Invitae Variant Classification Sherloc (09022015). Collection method: clinical testing. Allele origin: germline.
Comment: This sequence change replaces proline, which is neutral and non-polar, with arginine, which is basic and polar, at codon 72 of the PRKAG2 protein (p.Pro72Arg). This variant is not present in population databases (gnomAD no frequency). This variant has not been reported in the literature in individuals affected with PRKAG2-related conditions. Invitae Evidence Modeling of protein sequence and biophysical properties (such as structural, functional, and spatial information, amino acid conservation, physicochemical variation, residue mobility, and thermodynamic stability) indicates that this missense variant is not expected to disrupt PRKAG2 protein function with a negative predictive value of 95%. In summary, the available evidence is currently insufficient to determine the role of this variant in disease. Therefore, it has been classified as a Variant of Uncertain Significance.